The following is an entry in ClinVar:

ClinVar aggregate classification (germline): Uncertain significance (1 of 4 stars; one submission).

Conditions:
Neuropathy, hereditary sensory, type 2C. Also called: Hereditary sensory and autonomic neuropathy type IIC; KIF1A-Related HSAN2 (HSAN2C). Identifiers: Orphanet 970, MedGen C3280168, MONDO:0013634, OMIM 614213.
Intellectual disability, autosomal dominant 9 (NESCAVS). Also called: NESCAV SYNDROME; KIF1A-Related Neurodevelopmental Disorder. Identifiers: Orphanet 662367, MedGen C5393830, MONDO:0013656, OMIM 614255.
Hereditary spastic paraplegia 30. Identifiers: Orphanet 101010, MedGen C5235139, MONDO:0012476.

Allele frequency attached by ClinVar (database versions not stated): TOPMed below 0.00001; gnomAD 0.00001.
gnomAD v4.1: 2 of 1,573,830 alleles (0.00013%); highest among the groups gnomAD compares: African/African-American, 0.0027%; no homozygotes.

Submission:

Labcorp Genetics (formerly Invitae), Labcorp
Classification: Uncertain significance for Hereditary spastic paraplegia 30; Neuropathy, hereditary sensory, type 2C; Intellectual disability, autosomal dominant 9. Last evaluated: 2022-04-08. Review status: criteria provided, single submitter. Criteria: Invitae Variant Classification Sherloc (09022015). Collection method: clinical testing. Allele origin: germline.
Comment: This sequence change falls in intron 11 of the KIF1A gene. It does not directly change the encoded amino acid sequence of the KIF1A protein. It affects a nucleotide within the consensus splice site. This variant is present in population databases (no rsID available, gnomAD 0.01%). This variant has not been reported in the literature in individuals affected with KIF1A-related conditions. Variants that disrupt the consensus splice site are a relatively common cause of aberrant splicing (PMID: 17576681, 9536098). Algorithms developed to predict the effect of sequence changes on RNA splicing suggest that this variant is not likely to affect RNA splicing. In summary, the available evidence is currently insufficient to determine the role of this variant in disease. Therefore, it has been classified as a Variant of Uncertain Significance.

Literature cited by the submitters: PubMed 17576681; PubMed 9536098.

NM_001244008.2(KIF1A):c.1037+5G>C

Gene: KIF1A (kinesin family member 1A; minus strand). Cytogenetic location: 2q37.3.
Variant type: single nucleotide variant.
Coding change: c.1037+5G>C on transcript NM_001244008.2 (MANE Select); 5 bases into the intron after coding-DNA position 1037, G replaced by C.
Molecular consequence: intron variant.
Genome position (GRCh38, 1-based): chr2:240,774,178, C>G on the plus strand (G>C on the coding strand, the complement: KIF1A is on the minus strand). VCF-style: chr2-240774178-C-G. GRCh37 (hg19) VCF-style: chr2-241713595-C-G.
Other names: c.1037+5G>C (NM_001379653.1, NM_001379650.1, NM_001379645.1 and 20 more transcripts).
Identifiers: ClinVar variation 2105574 (VCV002105574.4), dbSNP rs1411684742, ClinGen allele CA540530022.